The following is an entry in ClinVar:

NM_000548.5(TSC2):c.4005G>C (p.Arg1335Ser)

Gene: TSC2 (TSC complex subunit 2; plus strand). Cytogenetic location: 16p13.3.
Variant type: single nucleotide variant.
Coding change: c.4005G>C on transcript NM_000548.5 (MANE Select); coding-DNA position 4005, G replaced by C.
Protein change: p.Arg1335Ser; replaces arginine 1335 with serine.
Molecular consequence: missense variant.
Genome position (GRCh38, 1-based): chr16:2,083,816, G>C. VCF-style: chr16-2083816-G-C. GRCh37 (hg19) VCF-style: chr16-2133817-G-C.
Other names: c.3660G>C, p.Arg1220Ser (NM_001318829.2); c.3273G>C, p.Arg1091Ser (NM_001318831.2); c.3837G>C, p.Arg1279Ser (NM_001318832.2); c.3804G>C, p.Arg1268Ser (NM_001077183.3); c.3936G>C, p.Arg1312Ser (NM_001114382.3); c.3696G>C, p.Arg1232Ser (NM_001318827.2); c.3807G>C, p.Arg1269Ser (NM_001363528.2); c.3873G>C, p.Arg1291Ser (NM_001370404.1); and 1 more; short protein forms R1232S, R1268S, R1335S, R1091S, R1220S, R1291S, R1292S, R1312S.
Identifiers: ClinVar variation 1037131 (VCV001037131.10), dbSNP rs2090436302, ClinGen allele CA394297870.

ClinVar aggregate classification (germline): Uncertain significance. Review status: criteria provided, multiple submitters, no conflicts (2 of 4 stars). 3 submissions from 3 submitters: Uncertain significance (3). Last evaluated 2024-03-30.

Conditions:
Tuberous sclerosis 2 (TSC2). Identifiers: Orphanet 805, MedGen C1860707, MONDO:0013199, OMIM 613254.
Isolated focal cortical dysplasia type II (FCORD2). Also called: Focal cortical dysplasia type II; CORTICAL DYSPLASIA OF TAYLOR. Identifiers: Orphanet 268994, MedGen C1846385, MONDO:0011818, OMIM 607341, HP:0032051.
Hereditary cancer-predisposing syndrome. Also called: Neoplastic Syndromes, Hereditary; Hereditary Cancer Syndrome; Tumor predisposition; Hereditary neoplastic syndrome. Identifiers: Orphanet 140162, MedGen C0027672, MeSH D009386, MONDO:0015356.

gnomAD v4.1: 2 of 1,610,724 alleles (0.00012%); highest among the groups gnomAD compares: Non-Finnish European, 0.000085%; no homozygotes.

Submissions (3):

Labcorp Genetics (formerly Invitae), Labcorp
Classification: Uncertain significance for Tuberous sclerosis 2. Last evaluated: 2024-03-30. Review status: criteria provided, single submitter. Criteria: Invitae Variant Classification Sherloc (09022015). Collection method: clinical testing. Allele origin: germline.
Comment: This sequence change replaces arginine, which is basic and polar, with serine, which is neutral and polar, at codon 1335 of the TSC2 protein (p.Arg1335Ser). This variant also falls at the last nucleotide of exon 33, which is part of the consensus splice site for this exon. This variant is not present in population databases (gnomAD no frequency). This variant has not been reported in the literature in individuals affected with TSC2-related conditions. ClinVar contains an entry for this variant (Variation ID: 1037131). An algorithm developed to predict the effect of missense changes on protein structure and function (PolyPhen-2) suggests that this variant is likely to be disruptive. Variants that disrupt the consensus splice site are a relatively common cause of aberrant splicing (PMID: 17576681, 9536098). RNA analysis performed to evaluate the impact of this missense change on mRNA splicing indicates it does not significantly alter splicing (Invitae). In summary, the available evidence is currently insufficient to determine the role of this variant in disease. Therefore, it has been classified as a Variant of Uncertain Significance.

Baylor Genetics
Classification: Uncertain significance for Isolated focal cortical dysplasia type II. Last evaluated: 2023-06-26. Review status: criteria provided, single submitter. Criteria: ACMG Guidelines, 2015. Collection method: clinical testing. Allele origin: unknown.

Ambry Genetics
Classification: Uncertain significance for Hereditary cancer-predisposing syndrome. Last evaluated: 2022-04-15. Review status: criteria provided, single submitter. Criteria: Ambry Variant Classification Scheme 2023. Collection method: clinical testing. Allele origin: germline.
Comment: The p.R1335S variant (also known as c.4005G>C), located in coding exon 32 of the TSC2 gene, results from a G to C substitution at nucleotide position 4005. The amino acid change results in arginine to serine at codon 1335, an amino acid with dissimilar properties. This change occurs in the last base pair of coding exon 32, however RNA studies have demonstrated that this alteration does not result in abnormal splicing in the set of samples tested (Ambry internal data). This nucleotide position is highly conserved in available vertebrate species. This amino acid position is highly conserved in available vertebrate species. In silico splice site analysis predicts that this alteration will not have any significant effect on splicing. In addition, the in silico prediction for this alteration is inconclusive. Since supporting evidence is limited at this time, the clinical significance of this alteration remains unclear.

Literature cited by the submitters: PubMed 17576681 (cited by Labcorp Genetics (formerly Invitae), Labcorp); PubMed 9536098 (cited by Labcorp Genetics (formerly Invitae), Labcorp).